The following is an entry in ClinVar:

ClinVar aggregate classification (germline): Uncertain significance (1 of 4 stars; one submission).

Submission:

Labcorp Genetics (formerly Invitae), Labcorp
Classification: Uncertain significance. Last evaluated: 2022-06-06. Review status: criteria provided, single submitter. Criteria: Invitae Variant Classification Sherloc (09022015). Collection method: clinical testing. Allele origin: germline.
Comment: In summary, the available evidence is currently insufficient to determine the role of this variant in disease. Therefore, it has been classified as a Variant of Uncertain Significance. Experimental studies and prediction algorithms are not available or were not evaluated, and the functional significance of this variant is currently unknown. This variant has not been reported in the literature in individuals affected with PPA2-related conditions. This variant is not present in population databases (gnomAD no frequency). This sequence change creates a premature translational stop signal (p.Pro248Glnfs*33) in the PPA2 gene. It is expected to result in an absent or disrupted protein product. However, the current clinical and genetic evidence is not sufficient to establish whether loss-of-function variants in PPA2 cause disease.

NM_176869.3(PPA2):c.743del (p.Pro248fs)

Gene: PPA2 (inorganic pyrophosphatase 2; minus strand). Cytogenetic location: 4q24.
Variant type: Deletion.
Coding change: c.743del on transcript NM_176869.3 (MANE Select); coding-DNA position 743, one base deleted (C; older notation c.743delC).
Protein change: p.Pro248fs; shifts the reading frame from proline 248.
Molecular consequence: frameshift variant.
Genome position (GRCh38, 1-based): chr4:105,399,077, G deleted on the plus strand (C on the coding strand, the reverse complement: PPA2 is on the minus strand); the first of 2 consecutive G bases (chr4:105,399,077-105,399,078); deleting either gives the same sequence. VCF-style (leftmost placement, unchanged base first): chr4-105399076-TG-T. GRCh37 (hg19) VCF-style: chr4-106320233-TG-T.
Other names: c.656del, p.Pro219fs (NM_006903.4); c.437del, p.Pro146fs (NM_176866.2); c.245del, p.Pro82fs (NM_176867.3); short protein forms P248fs, P146fs, P219fs, P82fs.
Identifiers: ClinVar variation 2002182 (VCV002002182.3), dbSNP rs768365196, ClinGen allele CA2580071302.